The following is an entry in ClinVar:

ClinVar aggregate classification (germline): Uncertain significance (1 of 4 stars; one submission).

Allele frequency attached by ClinVar (database versions not stated): gnomAD exomes below 0.00001; TOPMed below 0.00001; gnomAD 0.00001.
gnomAD v4.1: 9 of 1,614,096 alleles (0.00056%); highest among the groups gnomAD compares: African/African-American, 0.0013%; no homozygotes.

Submission:

GeneDx
Classification: Uncertain significance. Last evaluated: 2022-03-15. Review status: criteria provided, single submitter. Criteria: GeneDx Variant Classification Process June 2021. Collection method: clinical testing. Allele origin: germline. Affected: yes.
Comment: Not observed at significant frequency in large population cohorts (gnomAD); In silico analysis supports that this missense variant has a deleterious effect on protein structure/function; Has not been previously published as pathogenic or benign to our knowledge; Also known as p.(S517R); This variant is associated with the following publications: (PMID: 19302049)

NM_001243133.2(NLRP3):c.1551C>G (p.Ser517Arg)

Gene: NLRP3 (NLR family pyrin domain containing 3; plus strand). Cytogenetic location: 1q44.
Variant type: single nucleotide variant.
Coding change: c.1551C>G on transcript NM_001243133.2 (MANE Select); coding-DNA position 1551, C replaced by G.
Protein change: p.Ser517Arg; replaces serine 517 with arginine.
Molecular consequence: missense variant.
Genome position (GRCh38, 1-based): chr1:247,425,000, C>G. VCF-style: chr1-247425000-C-G. GRCh37 (hg19) VCF-style: chr1-247588302-C-G.
Other names: c.1551C>G, p.Ser517Arg (NM_001079821.3, NM_001127461.3, NM_001127462.3 and 1 more transcripts); c.1557C>G, p.Ser519Arg (NM_004895.5); short protein forms S517R, S519R.
Identifiers: ClinVar variation 1706258 (VCV001706258.2), dbSNP rs1251162109, ClinGen allele CA345557152.
Genomic context (GRCh38, chr1:247,425,000, plus strand): 5'-GTCTGCTTTCCTGAGGATGAACCTGTTCCAAAAGGAAGTGGACTGCGAGAAGTTCTACAG[C>G]TTCATCCACATGACTTTCCAGGAGTTCTTTGCCGCCATGTACTACCTGCTGGAAGAGGAA-3'
Protein context (NP_001230062.1, residues 507-527): QKEVDCEKFY[Ser517Arg]FIHMTFQEFF